The following is an entry in ClinVar:

Conditions:
Long QT syndrome 5 (LQT5). Identifiers: Orphanet 101016, Orphanet 768, MedGen C1867904, MONDO:0013372, OMIM 613695.

Submission:

Roden Lab, Vanderbilt University Medical Center
No classification provided (evidence only). Condition: Long QT syndrome 5. Review status: no classification provided. Collection method: in vitro. Allele origin: not applicable. Functional consequence: Effect on ion channel function.
ClinVar note: "not provided" was previously submitted as the classification for the variant. However, the classification appeared to be based only on an observation of functional data so it was converted to no classification on 2025-07-30.

NM_000219.6(KCNE1):c.251C>G (p.Ser84Cys)

Gene: KCNE1 (potassium voltage-gated channel subfamily E regulatory subunit 1; minus strand). Cytogenetic location: 21q22.12.
Variant type: single nucleotide variant.
Coding change: c.251C>G on transcript NM_000219.6 (MANE Select); coding-DNA position 251, C replaced by G.
Protein change: p.Ser84Cys; replaces serine 84 with cysteine.
Molecular consequence: missense variant.
Genome position (GRCh38, 1-based): chr21:34,449,384, G>C on the plus strand (C>G on the coding strand, the complement: KCNE1 is on the minus strand). VCF-style: chr21-34449384-G-C. GRCh37 (hg19) VCF-style: chr21-35821682-G-C.
Other names: c.251C>G, p.Ser84Cys (NM_001127668.4, NM_001127669.4, NM_001127670.4 and 4 more transcripts); short protein forms S84C.
Identifiers: ClinVar variation 3374441 (VCV003374441.2).